The following is an entry in ClinVar:

NM_001113378.2(FANCI):c.1765G>A (p.Asp589Asn)

Gene: FANCI (FA complementation group I; plus strand). Cytogenetic location: 15q26.1.
Variant type: single nucleotide variant.
Coding change: c.1765G>A on transcript NM_001113378.2 (MANE Select); coding-DNA position 1765, G replaced by A.
Protein change: p.Asp589Asn; replaces aspartic acid 589 with asparagine.
Molecular consequence: missense variant.
Genome position (GRCh38, 1-based): chr15:89,285,162, G>A. VCF-style: chr15-89285162-G-A. GRCh37 (hg19) VCF-style: chr15-89828393-G-A.
Other names: c.1486G>A, p.Asp496Asn (NM_001376910.1); c.1765G>A, p.Asp589Asn (NM_001376911.1, NM_018193.3); short protein forms D589N, D496N.
Identifiers: ClinVar variation 577550 (VCV000577550.7), dbSNP rs374176569, ClinGen allele CA7723150.
Genomic context (GRCh38, chr15:89,285,162, plus strand): 5'-GTGGATGTTCACAGCCATTACAATTCTGTCGCCAATGAAACTTTTTGCCTTGAGATCATG[G>A]ATAGTTTGAGGAGATGCTTAAGCCAGCAAGCTGATGTTCGACTCATGCTTTATGAGGTAA-3'
Protein context (NP_001106849.1, residues 579-599): ANETFCLEIM[Asp589Asn]SLRRCLSQQA

ClinVar aggregate classification (germline): Uncertain significance. Review status: criteria provided, multiple submitters, no conflicts (2 of 4 stars). 2 submissions from 2 submitters: Uncertain significance (2). Last evaluated 2022-01-21.

Conditions:
Fanconi anemia (FA). Also called: Fanconi's anemia. Identifiers: Orphanet 84, MedGen C0015625, MeSH D005199, MONDO:0019391.
Fanconi anemia complementation group I (FANCI). Also called: FANCI-Related Fanconi Anemia. Identifiers: Orphanet 84, MedGen C1836861, MONDO:0012186, OMIM 609053.

Allele frequency attached by ClinVar (database versions not stated): gnomAD exomes 0.00001; ExAC 0.00002; gnomAD 0.00003 and 0.00004; TOPMed 0.00004; ESP Exome Variant Server 0.00008.
gnomAD v4.1: 12 of 1,614,082 alleles (0.00074%); highest among the groups gnomAD compares: African/African-American, 0.015%; no homozygotes.

Submissions (2):

Fulgent Genetics
Classification: Uncertain significance for Fanconi anemia complementation group I. Last evaluated: 2022-01-21. Review status: criteria provided, single submitter. Criteria: ACMG Guidelines, 2015. Collection method: clinical testing. Allele origin: unknown.

Labcorp Genetics (formerly Invitae), Labcorp
Classification: Uncertain significance for Fanconi anemia. Last evaluated: 2021-09-01. Review status: criteria provided, single submitter. Criteria: Invitae Variant Classification Sherloc (09022015). Collection method: clinical testing. Allele origin: germline.
Comment: This sequence change replaces aspartic acid with asparagine at codon 589 of the FANCI protein (p.Asp589Asn). The aspartic acid residue is moderately conserved and there is a small physicochemical difference between aspartic acid and asparagine. This variant is present in population databases (rs374176569, ExAC 0.02%). This variant has not been reported in the literature in individuals affected with FANCI-related conditions. Algorithms developed to predict the effect of missense changes on protein structure and function are either unavailable or do not agree on the potential impact of this missense change (SIFT: "Tolerated"; PolyPhen-2: "Possibly Damaging"; Align-GVGD: "Class C0"). In summary, the available evidence is currently insufficient to determine the role of this variant in disease. Therefore, it has been classified as a Variant of Uncertain Significance.